The following is an entry in ClinVar:

NM_052989.3(IFT122):c.2888A>G (p.Glu963Gly)

Gene: IFT122 (intraflagellar transport 122; plus strand). Cytogenetic location: 3q22.1.
Variant type: single nucleotide variant.
Coding change: c.2888A>G on transcript NM_052989.3 (MANE Select); coding-DNA position 2888, A replaced by G.
Protein change: p.Glu963Gly; replaces glutamic acid 963 with glycine.
Molecular consequence: missense variant.
Genome position (GRCh38, 1-based): chr3:129,512,313, A>G. VCF-style: chr3-129512313-A-G. GRCh37 (hg19) VCF-style: chr3-129231156-A-G.
Other names: c.2867A>G, p.Glu956Gly (NM_001280541.2); c.2438A>G, p.Glu813Gly (NM_001280545.2); c.2261A>G, p.Glu754Gly (NM_001280546.2); c.2891A>G, p.Glu964Gly (NM_001410808.1); c.2834A>G, p.Glu945Gly (NM_001410809.1); c.2714A>G, p.Glu905Gly (NM_001410810.1); c.2660A>G, p.Glu887Gly (NM_001410811.1); c.2657A>G, p.Glu886Gly (NM_001410813.1); and 5 more; short protein forms E852G, E754G, E886G, E905G, E945G, E956G, E963G, E1014G.
Identifiers: ClinVar variation 2186173 (VCV002186173.4), dbSNP rs369704793, ClinGen allele CA2606694.

ClinVar aggregate classification (germline): Uncertain significance. Review status: criteria provided, multiple submitters, no conflicts (2 of 4 stars). 2 submissions from 2 submitters: Uncertain significance (2). Last evaluated 2024-06-09.

Conditions:
Cranioectodermal dysplasia 1 (CED1). Also called: LEVIN SYNDROME I. Identifiers: Orphanet 1515, MedGen C0432235, MONDO:0021093, OMIM 218330.

Allele frequency attached by ClinVar (database versions not stated): TOPMed below 0.00001; gnomAD 0.00001; gnomAD exomes 0.00001; ExAC 0.00003; ESP Exome Variant Server 0.00008.
gnomAD v4.1: 13 of 1,611,678 alleles (0.00081%); highest among the groups gnomAD compares: Non-Finnish European, 0.00093%; no homozygotes.

Submissions (2):

Fulgent Genetics
Classification: Uncertain significance for Cranioectodermal dysplasia 1. Last evaluated: 2024-06-09. Review status: criteria provided, single submitter. Criteria: ACMG Guidelines, 2015. Collection method: clinical testing. Allele origin: germline.

Labcorp Genetics (formerly Invitae), Labcorp
Classification: Uncertain significance for Cranioectodermal dysplasia 1. Last evaluated: 2021-12-20. Review status: criteria provided, single submitter. Criteria: Invitae Variant Classification Sherloc (09022015). Collection method: clinical testing. Allele origin: germline.
Comment: In summary, the available evidence is currently insufficient to determine the role of this variant in disease. Therefore, it has been classified as a Variant of Uncertain Significance. Algorithms developed to predict the effect of missense changes on protein structure and function (SIFT, PolyPhen-2, Align-GVGD) all suggest that this variant is likely to be tolerated. This variant has not been reported in the literature in individuals affected with IFT122-related conditions. This variant is present in population databases (rs369704793, gnomAD 0.004%). This sequence change replaces glutamic acid, which is acidic and polar, with glycine, which is neutral and non-polar, at codon 1014 of the IFT122 protein (p.Glu1014Gly).